The following is an entry in ClinVar:

NM_014055.4(IFT81):c.1313G>A (p.Arg438His)

Gene: IFT81 (intraflagellar transport 81; plus strand). Cytogenetic location: 12q24.11.
Variant type: single nucleotide variant.
Coding change: c.1313G>A on transcript NM_014055.4 (MANE Select); coding-DNA position 1313, G replaced by A.
Protein change: p.Arg438His; replaces arginine 438 with histidine.
Molecular consequence: missense variant. On other transcripts: non-coding transcript variant (4).
Genome position (GRCh38, 1-based): chr12:110,180,546, G>A. VCF-style: chr12-110180546-G-A. GRCh37 (hg19) VCF-style: chr12-110618351-G-A.
Other names: c.1313G>A, p.Arg438His (NM_001143779.2); c.383G>A, p.Arg128His (NM_001347947.2, NM_001347948.2); short protein forms R438H, R128H.
Identifiers: ClinVar variation 955406 (VCV000955406.7), dbSNP rs748765767, ClinGen allele CA6783328.

ClinVar aggregate classification (germline): Uncertain significance (1 of 4 stars; one submission).

Allele frequency attached by ClinVar (database versions not stated): ExAC 0.00001; gnomAD 0.00001; gnomAD exomes 0.00001; TOPMed 0.00001.
gnomAD v4.1: 23 of 1,604,506 alleles (0.0014%); highest among the groups gnomAD compares: South Asian, 0.0033%; no homozygotes.

Submission:

Labcorp Genetics (formerly Invitae), Labcorp
Classification: Uncertain significance. Last evaluated: 2023-10-13. Review status: criteria provided, single submitter. Criteria: Invitae Variant Classification Sherloc (09022015). Collection method: clinical testing. Allele origin: germline.
Comment: This sequence change replaces arginine, which is basic and polar, with histidine, which is basic and polar, at codon 438 of the IFT81 protein (p.Arg438His). This variant is present in population databases (rs748765767, gnomAD 0.01%). This variant has not been reported in the literature in individuals affected with IFT81-related conditions. ClinVar contains an entry for this variant (Variation ID: 955406). Advanced modeling of protein sequence and biophysical properties (such as structural, functional, and spatial information, amino acid conservation, physicochemical variation, residue mobility, and thermodynamic stability) performed at Invitae indicates that this missense variant is expected to disrupt IFT81 protein function. In summary, the available evidence is currently insufficient to determine the role of this variant in disease. Therefore, it has been classified as a Variant of Uncertain Significance.